The following is an entry in ClinVar:

NM_000392.5(ABCC2):c.4410G>A (p.Glu1470=)

Gene: ABCC2 (ATP binding cassette subfamily C member 2; plus strand). Cytogenetic location: 10q24.2.
Variant type: single nucleotide variant.
Coding change: c.4410G>A on transcript NM_000392.5 (MANE Select); coding-DNA position 4410, G replaced by A.
Protein change: p.Glu1470=; no amino-acid change (glutamic acid 1470 retained).
Molecular consequence: synonymous variant.
Genome position (GRCh38, 1-based): chr10:99,850,698, G>A. VCF-style: chr10-99850698-G-A. GRCh37 (hg19) VCF-style: chr10-101610455-G-A.
Other names: p.Glu1470=; c.4410G>A, p.Glu1470= (LRG_1208t1).
Identifiers: ClinVar variation 298476 (VCV000298476.16), dbSNP rs8187706, ClinGen allele CA5644130.

ClinVar aggregate classification (germline): Benign. Review status: criteria provided, multiple submitters, no conflicts (2 of 4 stars). 6 submissions from 6 submitters: Benign (5). 1 of the submissions does not count toward it. Last evaluated 2026-02-02.

Conditions:
Dubin-Johnson syndrome (DJS). Also called: HYPERBILIRUBINEMIA, DUBIN-JOHNSON TYPE; Jaundice, Chronic Idiopathic; Hyperbilirubinemia type 2. Identifiers: Orphanet 234, MedGen C0022350, MONDO:0009380, OMIM 237500.
ABCC2-related disorder. Also called: ABCC2-related condition.

Allele frequency attached by ClinVar (database versions not stated): gnomAD exomes 0.00321 and 0.00834; ExAC 0.01025; gnomAD 0.03258 and 0.03502; 1000 Genomes Project 0.03435; 1000 Genomes Project 30x 0.03576; ESP Exome Variant Server 0.03652; TOPMed 0.03706.
gnomAD v4.1: 9,906 of 1,614,124 alleles (0.61%); highest among the groups gnomAD compares: African/African-American, 11%; 527 homozygotes.

Submissions (6):

Labcorp Genetics (formerly Invitae), Labcorp
Classification: Benign. Last evaluated: 2026-02-02. Review status: criteria provided, single submitter. Criteria: Invitae Variant Classification Sherloc (09022015). Collection method: clinical testing. Allele origin: germline.

Mayo Clinic Laboratories, Mayo Clinic
Classification: Benign. Last evaluated: 2022-04-29. Review status: criteria provided, single submitter. Criteria: ACMG Guidelines, 2015. Collection method: clinical testing. Allele origin: germline. Observed: 20 variant alleles.

GeneDx
Classification: Benign. Last evaluated: 2021-06-09. Review status: criteria provided, single submitter. Criteria: GeneDx Variant Classification Process June 2021. Collection method: clinical testing. Allele origin: germline. Affected: yes.

Illumina Laboratory Services, Illumina
Classification: Benign for Dubin-Johnson syndrome. Last evaluated: 2018-01-12. Review status: criteria provided, single submitter. Criteria: ICSL Variant Classification Criteria 13 December 2019. Collection method: clinical testing. Allele origin: germline.
Comment: This variant was observed in the ICSL laboratory as part of a predisposition screen in an ostensibly healthy population. It had not been previously curated by ICSL or reported in the Human Gene Mutation Database (HGMD: prior to June 1st, 2018), and was therefore a candidate for classification through an automated scoring system. Utilizing variant allele frequency, disease prevalence and penetrance estimates, and inheritance mode, an automated score was calculated to assess if this variant is too frequent to cause the disease. Based on the score and internal cut-off values, a variant classified as benign is not then subjected to further curation. The score for this variant resulted in a classification of benign for this disease.

Breakthrough Genomics
Classification: Benign. Review status: criteria provided, single submitter. Criteria: ACMG Guidelines, 2015. Collection method: not provided. Allele origin: germline. Inheritance: Autosomal recessive inheritance. Affected: yes.

PreventionGenetics, part of Exact Sciences
Classification: Benign for ABCC2-related condition. Last evaluated: 2019-11-25. Review status: no assertion criteria provided. Collection method: clinical testing. Allele origin: germline. Not counted in ClinVar's aggregate classification.
Comment: This variant is classified as benign based on ACMG/AMP sequence variant interpretation guidelines (Richards et al. 2015 PMID: 25741868, with internal and published modifications).